The following is an entry in ClinVar:

NM_212482.4(FN1):c.7182C>T (p.His2394=)

Genes: FN1 (fibronectin 1; minus strand), ATIC (5-aminoimidazole-4-carboxamide ribonucleotide formyltransferase/IMP cyclohydrolase; plus strand). Cytogenetic location: 2q35.
Variant type: single nucleotide variant.
Coding change: c.7182C>T on transcript NM_212482.4 (MANE Select); coding-DNA position 7182, C replaced by T.
Protein change: p.His2394=; no amino-acid change (histidine 2394 retained).
Molecular consequence: synonymous variant.
Genome position (GRCh38, 1-based): chr2:215,364,948, G>A on the plus strand (C>T on the coding strand, the complement: FN1 is on the minus strand). VCF-style: chr2-215364948-G-A. GRCh37 (hg19) VCF-style: chr2-216229671-G-A.
Other names: p.His2394=; c.7089C>T, p.His2363= (NM_001306129.2); c.6552C>T, p.His2184= (NM_001306130.2); c.6546C>T, p.His2182= (NM_001306131.2); c.6471C>T, p.His2157= (NM_001306132.2); c.6912C>T, p.His2304= (NM_001365517.2); c.6909C>T, p.His2303= (NM_001365518.2); c.6837C>T, p.His2279= (NM_001365519.2); and 10 more.
Identifiers: ClinVar variation 789933 (VCV000789933.19), dbSNP rs151174151, ClinGen allele CA2093624.
Genomic context (GRCh38, chr2:215,364,948, plus strand): 5'-TCCAAAGCATGTGCAGGAGCAAATGGCACCGAGATATTCCTTCTGCCACTGTTCTCCTAC[G>A]TGGTATGTCTTCCCATCATCATAACACGTTGCCTCATCTGCATATAGACACAAGACAGAT-3'
Protein context (NP_997647.2, residues 2384-2404): ATCYDDGKTY[His2394=]VGEQWQKEYL

ClinVar aggregate classification (germline): Benign/Likely benign. Review status: criteria provided, multiple submitters, no conflicts (2 of 4 stars). 6 submissions from 6 submitters: Benign (4); Likely benign (2). Last evaluated 2026-09-01.

Allele frequency attached by ClinVar (database versions not stated): gnomAD 0.00253 and 0.00276; ESP Exome Variant Server 0.00261; gnomAD exomes 0.00271; 1000 Genomes Project 30x 0.00297; 1000 Genomes Project 0.00300; TOPMed 0.00312; ExAC 0.00454.
gnomAD v4.1: 6,255 of 1,581,028 alleles (0.4%); highest among the groups gnomAD compares: Non-Finnish European, 0.49%; 17 homozygotes.

Submissions (6):

CeGaT Center for Human Genetics Tuebingen
Classification: Likely benign. Last evaluated: 2026-09-01. Review status: criteria provided, single submitter. Criteria: CeGaT Center For Human Genetics Tuebingen Variant Classification Criteria Version 2. Collection method: clinical testing. Allele origin: germline. Affected: yes. Observed: 5 variant alleles.
Comment: FN1: BP4, BP7, BS2

Labcorp Genetics (formerly Invitae), Labcorp
Classification: Benign. Last evaluated: 2026-01-13. Review status: criteria provided, single submitter. Criteria: Invitae Variant Classification Sherloc (09022015). Collection method: clinical testing. Allele origin: germline.

Blueprint Genetics
Classification: Likely benign. Last evaluated: 2024-11-25. Review status: criteria provided, single submitter. Criteria: ACMG Guidelines, 2015. Collection method: clinical testing. Allele origin: germline.

Mayo Clinic Laboratories, Mayo Clinic
Classification: Benign. Last evaluated: 2024-01-05. Review status: criteria provided, single submitter. Criteria: ACMG Guidelines, 2015. Collection method: clinical testing. Allele origin: germline. Observed: 5 variant alleles.
Comment: BS1, BS2, BP4, BP7

GeneDx
Classification: Benign. Last evaluated: 2021-09-10. Review status: criteria provided, single submitter. Criteria: GeneDx Variant Classification Process June 2021. Collection method: clinical testing. Allele origin: germline. Affected: yes.

Breakthrough Genomics
Classification: Benign. Review status: criteria provided, single submitter. Criteria: ACMG Guidelines, 2015. Collection method: not provided. Allele origin: germline. Inheritance: Autosomal dominant inheritance. Affected: yes.